The following is an entry in ClinVar:

NM_020458.4(TTC7A):c.2264del (p.Ala755fs)

Gene: TTC7A (tetratricopeptide repeat domain 7A; plus strand). Cytogenetic location: 2p21.
Variant type: Deletion.
Coding change: c.2264del on transcript NM_020458.4 (MANE Select); coding-DNA position 2264, one base deleted (C; older notation c.2264delC).
Protein change: p.Ala755fs; shifts the reading frame from alanine 755.
Molecular consequence: frameshift variant.
Genome position (GRCh38, 1-based): chr2:47,060,880, C deleted. VCF-style (leftmost placement, unchanged base first): chr2-47060879-GC-G. GRCh37 (hg19) VCF-style: chr2-47288018-GC-G.
Other names: c.2336del, p.Ala779fs (NM_001288951.2); c.2162del, p.Ala721fs (NM_001288953.2); c.1202del, p.Ala401fs (NM_001288955.2); short protein forms A401fs, A755fs, A779fs, A721fs.
Identifiers: ClinVar variation 2033508 (VCV002033508.4), dbSNP rs2465432479, ClinGen allele CA2580066555.

ClinVar aggregate classification (germline): Pathogenic (1 of 4 stars; one submission).

Conditions:
Multiple gastrointestinal atresias. Also called: Multiple intestinal atresia; FAMILIAL INTESTINAL POLYATRESIA SYNDROME. Identifiers: Orphanet 2300, MedGen C0220744, MONDO:0009465.

Submission:

Labcorp Genetics (formerly Invitae), Labcorp
Classification: Pathogenic for Multiple gastrointestinal atresias. Last evaluated: 2022-09-30. Review status: criteria provided, single submitter. Criteria: Invitae Variant Classification Sherloc (09022015). Collection method: clinical testing. Allele origin: germline.
Comment: This sequence change creates a premature translational stop signal (p.Ala755Valfs*3) in the TTC7A gene. It is expected to result in an absent or disrupted protein product. Loss-of-function variants in TTC7A are known to be pathogenic (PMID: 23830146, 24292712). This variant is not present in population databases (gnomAD no frequency). This variant has not been reported in the literature in individuals affected with TTC7A-related conditions. For these reasons, this variant has been classified as Pathogenic.

Literature cited by the submitters: PubMed 23830146; PubMed 24292712.